The following is an entry in ClinVar:

ClinVar aggregate classification (germline): Pathogenic. Review status: criteria provided, multiple submitters, no conflicts (2 of 4 stars). 6 submissions from 6 submitters: Pathogenic (5). 1 of the submissions does not count toward it. Last evaluated 2025-03-05.

Conditions:
Niemann-Pick disease, type C (NPC). Identifiers: Orphanet 646, MedGen C0220756, MONDO:0018982.
Niemann-Pick disease, type C1. Also called: NEUROVISCERAL STORAGE DISEASE WITH VERTICAL SUPRANUCLEAR OPHTHALMOPLEGIA; NIEMANN-PICK DISEASE WITH CHOLESTEROL ESTERIFICATION BLOCK; NIEMANN-PICK DISEASE WITHOUT SPHINGOMYELINASE DEFICIENCY; NIEMANN-PICK DISEASE, CHRONIC NEURONOPATHIC FORM; NIEMANN-PICK DISEASE, VARIANT TYPE C1. Identifiers: Orphanet 646, MedGen C3179455, MONDO:0009757, OMIM 257220.

Submissions (6):

Women's Health and Genetics/Laboratory Corporation of America, LabCorp
Classification: Pathogenic for Niemann-Pick disease, type C. Last evaluated: 2025-03-05. Review status: criteria provided, single submitter. Criteria: LabCorp Variant Classification Summary - May 2015. Collection method: clinical testing. Allele origin: germline.
Comment: Variant summary: NPC1 c.352_353delAG (p.Gln119ValfsX8) results in a premature termination codon, predicted to cause a truncation of the encoded protein or absence of the protein due to nonsense mediated decay, which are commonly known mechanisms for disease. The variant allele was found at a frequency of 8e-06 in 251408 control chromosomes. c.352_353delAG has been reported in the literature in individuals affected with Niemann-Pick Disease Type C (Marcias_2009, Stampfer_2013, Yamamoto_1999). These data indicate that the variant is likely to be associated with disease. At least one publication reports experimental evidence evaluating an impact on protein function. The most pronounced variant effect results in 10%-<30% of normal activity (Marcias_2009). The following publications have been ascertained in the context of this evaluation (PMID: 23433426, 19223215, 10480349). ClinVar contains an entry for this variant (Variation ID: 370143). Based on the evidence outlined above, the variant was classified as pathogenic.

3billion
Classification: Pathogenic for Niemann-Pick disease, type C1. Last evaluated: 2024-07-11. Review status: criteria provided, single submitter. Criteria: ACMG Guidelines, 2015. Collection method: clinical testing. Allele origin: germline. Affected: yes.
Comment: The variant is observed at an extremely low frequency in the gnomAD v4.0.0 dataset (total allele frequency: <0.001%). Predicted Consequence/Location: Frameshift: predicted to result in a loss or disruption of normal protein function through nonsense-mediated decay (NMD) or protein truncation. Multiple pathogenic variants are reported downstream of the variant. The variant has been reported at least twice as pathogenic with clinical assertions and evidence for the classification (ClinVar ID: VCV000370143 /PMID: 10480349 /3billion dataset). Therefore, this variant is classified as Pathogenic according to the recommendation of ACMG/AMP guideline.

Natera, Inc.
Classification: Pathogenic for Niemann-Pick disease type C1. Last evaluated: 2024-03-11. Review status: criteria provided, single submitter. Criteria: Natera Variant Classification Schema (03/2026). Collection method: clinical testing. Allele origin: germline.
Comment: The c.352_353delAG variant in NPC1 is a frameshift variant predicted to shift the reading frame beginning at codon 119 and leads to a stop codon 8 codons downstream. This variant is expected to result in nonsense mediated decay, truncation, or a dysfunctional protein product. This variant is rare in the general population with a frequency below the threshold expected for the associated phenotype(s). This variant has been observed in one or more individuals affected with the associated recessive disease, as either homozygous or compound heterozygous with a second variant (PMID: 20718790). Given the available evidence, this variant is classified as Pathogenic.

Labcorp Genetics (formerly Invitae), Labcorp
Classification: Pathogenic for Niemann-Pick disease, type C1. Last evaluated: 2023-08-29. Review status: criteria provided, single submitter. Criteria: Invitae Variant Classification Sherloc (09022015). Collection method: clinical testing. Allele origin: germline.
Comment: For these reasons, this variant has been classified as Pathogenic. ClinVar contains an entry for this variant (Variation ID: 370143). This premature translational stop signal has been observed in individual(s) with Niemann-Pick disease type C (PMID: 10480349). This variant is present in population databases (rs759075595, gnomAD 0.004%). This sequence change creates a premature translational stop signal (p.Gln119Valfs*8) in the NPC1 gene. It is expected to result in an absent or disrupted protein product. Loss-of-function variants in NPC1 are known to be pathogenic (PMID: 9211850).

Revvity Omics, Revvity
Classification: Pathogenic for Niemann-Pick disease, type C1. Last evaluated: 2021-12-06. Review status: criteria provided, single submitter. Criteria: ACMG Guidelines, 2015. Collection method: clinical testing. Allele origin: germline.

Counsyl
Classification: Pathogenic for Niemann-Pick disease, type C1. Last evaluated: 2016-09-09. Review status: no assertion criteria provided. Collection method: clinical testing. Allele origin: unknown. Not counted in ClinVar's aggregate classification.

Literature cited by the submitters: PubMed 23433426 (cited by Women's Health and Genetics/Laboratory Corporation of America, LabCorp and Counsyl); PubMed 19223215 (cited by Women's Health and Genetics/Laboratory Corporation of America, LabCorp and Counsyl); PubMed 10480349 (cited by 4 submitters); PubMed 20718790 (cited by Natera, Inc. and Counsyl); PubMed 9211850 (cited by Labcorp Genetics (formerly Invitae), Labcorp); PubMed 25236789 (cited by Counsyl).

NM_000271.5(NPC1):c.352_353del (p.Gln119fs)

Gene: NPC1 (NPC intracellular cholesterol transporter 1; minus strand). Cytogenetic location: 18q11.2.
Variant type: Microsatellite.
Coding change: c.352_353del on transcript NM_000271.5 (MANE Select); coding-DNA positions 352 to 353, 2 bases deleted (AG; older notation c.352_353delAG).
Protein change: p.Gln119fs; shifts the reading frame from glutamine 119.
Molecular consequence: frameshift variant.
Genome position (GRCh38, 1-based): chr18:23,568,933-23,568,934, CT deleted on the plus strand (AG on the coding strand, the reverse complement: NPC1 is on the minus strand); deleting any 2 consecutive bases within chr18:23,568,933-23,568,936 gives the same sequence; the c. name uses the placement nearest the transcript's 3' end. VCF-style (leftmost placement, unchanged base first): chr18-23568932-ACT-A. GRCh37 (hg19) VCF-style: chr18-21148896-ACT-A.
Other names: c.352_353delAG (NM_000271.5); short protein forms Q119fs.
Identifiers: ClinVar variation 370143 (VCV000370143.23), dbSNP rs759075595, ClinGen allele CA8913754.
Genomic context (GRCh38, chr18:23,568,932, plus strand): 5'-TTTCGTCTGGTTTGTAACAGGATCAACATAATCTTCAGTAGCTGTAACATTCAAAAACTG[ACT>A]CTGTCGAGGGCTACATGTCAGCTCACAAAACAGGTTCAGTAGGTTATAAAAACAGGATGG-3'